The following is an entry in ClinVar:

NM_000492.4(CFTR):c.940G>C (p.Gly314Arg)

Gene: CFTR (CF transmembrane conductance regulator; plus strand). Cytogenetic location: 7q31.2.
Variant type: single nucleotide variant.
Coding change: c.940G>C on transcript NM_000492.4 (MANE Select); coding-DNA position 940, G replaced by C.
Protein change: p.Gly314Arg; replaces glycine 314 with arginine.
Molecular consequence: missense variant.
Genome position (GRCh38, 1-based): chr7:117,540,170, G>C. VCF-style: chr7-117540170-G-C. GRCh37 (hg19) VCF-style: chr7-117180224-G-C.
Other names: short protein forms G314R.
Identifiers: ClinVar variation 54088 (VCV000054088.4), dbSNP rs397508819, ClinGen allele CA327695.

ClinVar aggregate classification (germline): Pathogenic/Likely pathogenic. Review status: criteria provided, multiple submitters, no conflicts (2 of 4 stars). 4 submissions from 4 submitters: Pathogenic (1); Likely pathogenic (1). 2 of the submissions do not count toward it. Last evaluated 2025-12-11.

Conditions:
Cystic fibrosis (CF). Also called: MUCOVISCIDOSIS. Identifiers: Orphanet 586, MedGen C0010674, MONDO:0009061, OMIM 219700. Disease mechanism: loss of function.

Submissions (4):

Women's Health and Genetics/Laboratory Corporation of America, LabCorp
Classification: Pathogenic for Cystic fibrosis. Last evaluated: 2025-12-11. Review status: criteria provided, single submitter. Criteria: LabCorp Variant Classification Summary - May 2015. Collection method: clinical testing. Allele origin: germline.
Comment: Variant summary: CFTR c.940G>C (p.Gly314Arg) results in a non-conservative amino acid change in the encoded protein sequence. Algorithms developed to predict the effect of missense changes on protein structure and function all suggest that this variant is likely to be disruptive. The variant was absent in 251236 control chromosomes. c.940G>C or p.Gly314Arg (with unspecified c.) has been observed in the presumed or confirmed compound heterozygous state in multiple individual(s) affected with Cystic Fibrosis and at least 1 individual with unknown zygosity in a cohort with congenital bilateral absence of the vas deferens (example, Nasr_1996, Sobczynska-Tomaszewska_2013, Giannattasio_2006, Chernykh_2023). These data indicate that the variant may be associated with disease. A different variant affecting the same codon has been classified as likely pathogenic/pathogenic by our lab (c.941G>A, p.Gly314Glu), supporting the critical relevance of codon 314 to CFTR protein function. At least two publications report experimental evidence evaluating an impact on protein function. The most pronounced variant effect resulted in approximately 1.04% of normal chloride channel conductance relative to wild type in 2 distinct in vitro assays (e.g., Bihler_2024, Nasr_1996). The following publications have been ascertained in the context of this evaluation (PMID: 9067754, 11427889, 9512029, 25735457, 8829633, 38388235, 40804904, 39529847, 20849526, 11504857, 36834620, 22892530, 17020467, 38003474). ClinVar contains an entry for this variant (Variation ID: 54088). Based on the evidence outlined above, the variant was classified as pathogenic.

Revvity Omics, Revvity
Classification: Likely pathogenic. Last evaluated: 2025-01-29. Review status: criteria provided, single submitter. Criteria: ACMG Guidelines, 2015. Collection method: clinical testing. Allele origin: germline.

Counsyl
Classification: Uncertain significance for Cystic fibrosis. Last evaluated: 2017-06-27. Review status: no assertion criteria provided. Collection method: clinical testing. Allele origin: unknown. Not counted in ClinVar's aggregate classification.

ClinVar Staff, National Center for Biotechnology Information (NCBI)
No classification provided. Condition: CFTR-related disorders. Review status: no classification provided. Collection method: literature only. Allele origin: germline. Affected: yes. Not counted in ClinVar's aggregate classification.

Literature cited by the submitters: PubMed 17020467 (cited by Women's Health and Genetics/Laboratory Corporation of America, LabCorp and Counsyl); PubMed 20849526 (cited by Women's Health and Genetics/Laboratory Corporation of America, LabCorp); PubMed 11427889 (cited by Women's Health and Genetics/Laboratory Corporation of America, LabCorp); PubMed 11504857 (cited by Women's Health and Genetics/Laboratory Corporation of America, LabCorp); PubMed 22892530 (cited by Women's Health and Genetics/Laboratory Corporation of America, LabCorp and Counsyl); PubMed 25735457 (cited by Women's Health and Genetics/Laboratory Corporation of America, LabCorp); PubMed 9067754 (cited by Women's Health and Genetics/Laboratory Corporation of America, LabCorp); PubMed 36834620 (cited by Women's Health and Genetics/Laboratory Corporation of America, LabCorp); PubMed 38388235 (cited by Women's Health and Genetics/Laboratory Corporation of America, LabCorp); PubMed 8829633 (cited by 3 submitters); PubMed 38003474 (cited by Women's Health and Genetics/Laboratory Corporation of America, LabCorp); PubMed 39529847 (cited by Women's Health and Genetics/Laboratory Corporation of America, LabCorp); PubMed 9512029 (cited by Women's Health and Genetics/Laboratory Corporation of America, LabCorp); PubMed 40804904 (cited by Women's Health and Genetics/Laboratory Corporation of America, LabCorp).